The following is an entry in ClinVar:

ClinVar aggregate classification (germline): Uncertain significance (1 of 4 stars; one submission).

Conditions:
Dystonia 5 (DRD). Also called: GTP Cyclohydrolase 1-Deficient Dopa-Responsive Dystonia; DYSTONIA, PROGRESSIVE, WITH DIURNAL VARIATION; DYSTONIA-PARKINSONISM WITH DIURNAL FLUCTUATION; Dystonia, DOPA-responsive, with or without hyperphenylalaninemia; DYT-GCH1. Identifiers: Orphanet 98808, MedGen C1851920, MONDO:0007495, OMIM 128230.
GTP cyclohydrolase I deficiency. Identifiers: MedGen C0268467, MONDO:0100184.

gnomAD v4.1: 4 of 1,537,636 alleles (0.00026%); highest among the groups gnomAD compares: South Asian, 0.0012%; no homozygotes.

Submission:

Labcorp Genetics (formerly Invitae), Labcorp
Classification: Uncertain significance for GTP cyclohydrolase I deficiency; Dystonia 5. Last evaluated: 2022-03-19. Review status: criteria provided, single submitter. Criteria: Invitae Variant Classification Sherloc (09022015). Collection method: clinical testing. Allele origin: germline.
Comment: This sequence change replaces proline, which is neutral and non-polar, with threonine, which is neutral and polar, at codon 39 of the GCH1 protein (p.Pro39Thr). This variant is not present in population databases (gnomAD no frequency). This variant has not been reported in the literature in individuals affected with GCH1-related conditions. Advanced modeling of protein sequence and biophysical properties (such as structural, functional, and spatial information, amino acid conservation, physicochemical variation, residue mobility, and thermodynamic stability) performed at Invitae indicates that this missense variant is not expected to disrupt GCH1 protein function. In summary, the available evidence is currently insufficient to determine the role of this variant in disease. Therefore, it has been classified as a Variant of Uncertain Significance.

NM_000161.3(GCH1):c.115C>A (p.Pro39Thr)

Genes: GCH1 (GTP cyclohydrolase 1; minus strand), LOC130055692 (ATAC-STARR-seq lymphoblastoid silent region 5776; plus strand). Cytogenetic location: 14q22.2.
Variant type: single nucleotide variant.
Coding change: c.115C>A on transcript NM_000161.3 (MANE Select); coding-DNA position 115, C replaced by A.
Protein change: p.Pro39Thr; replaces proline 39 with threonine.
Molecular consequence: missense variant.
Genome position (GRCh38, 1-based): chr14:54,902,549, G>T on the plus strand (C>A on the coding strand, the complement: GCH1 is on the minus strand). VCF-style: chr14-54902549-G-T. GRCh37 (hg19) VCF-style: chr14-55369267-G-T.
Other names: c.115C>A, p.Pro39Thr (NM_001024024.2, NM_001024070.2, NM_001024071.2); short protein forms P39T.
Identifiers: ClinVar variation 1520609 (VCV001520609.3), dbSNP rs770932357, ClinGen allele CA389794291.